The following is an entry in ClinVar:

ClinVar aggregate classification (germline): Benign. Review status: criteria provided, multiple submitters, no conflicts (2 of 4 stars). 2 submissions from 2 submitters: Benign (2). Last evaluated 2018-06-14.

Allele frequency attached by ClinVar (database versions not stated): TOPMed 0.10349; 1000 Genomes Project 0.05751; gnomAD 0.11284 and 0.11533; 1000 Genomes Project 30x 0.05840.
gnomAD v4.1: 17,129 of 152,136 alleles (11%); highest among the groups gnomAD compares: Non-Finnish European, 16%; 1,247 homozygotes.

Submissions (2):

GeneDx
Classification: Benign. Last evaluated: 2018-06-14. Review status: criteria provided, single submitter. Criteria: GeneDx Variant Classification (06012015). Collection method: clinical testing. Allele origin: germline. Affected: yes.
Comment: This variant is considered likely benign or benign based on one or more of the following criteria: it is a conservative change, it occurs at a poorly conserved position in the protein, it is predicted to be benign by multiple in silico algorithms, and/or has population frequency not consistent with disease.

Breakthrough Genomics
Classification: Benign. Review status: criteria provided, single submitter. Criteria: ACMG Guidelines, 2015. Collection method: not provided. Allele origin: germline. Inheritance: Autosomal dominant inheritance. Affected: yes.

NM_201596.3(CACNB2):c.213+110592G>A

Gene: CACNB2 (calcium voltage-gated channel auxiliary subunit beta 2; plus strand). Cytogenetic location: 10p12.33.
Variant type: single nucleotide variant.
Coding change: c.213+110592G>A on transcript NM_201596.3 (MANE Select); 110592 bases into the intron after coding-DNA position 213, G replaced by A.
Molecular consequence: intron variant.
Genome position (GRCh38, 1-based): chr10:18,261,567, G>A. VCF-style: chr10-18261567-G-A. GRCh37 (hg19) VCF-style: chr10-18550496-G-A.
Other names: c.129+110592G>A (NM_201571.4, NM_001167945.2, NM_201572.4); c.213+110592G>A (NM_201593.3, NM_201597.3); c.48+250G>A (NM_000724.4, NM_001330060.2).
Identifiers: ClinVar variation 669799 (VCV000669799.4), dbSNP rs61844245, ClinGen allele CA13146182.
Genomic context (GRCh38, chr10:18,261,567, plus strand): 5'-AGATGTTTTTATCTGTCTTTTGTGCCTTGTGACTTTGATAAGGTTGGAAATAACTTGCGC[G>A]GGGATTGGTTTGAGAAGTCCATTGTCTCAGAGATCTGCCTCATTCAAACCAGTTGATACT-3'